The following is an entry in ClinVar:

NM_001267550.2(TTN):c.83629C>T (p.Arg27877Cys)

Genes: TTN (titin; minus strand), TTN-AS1 (TTN antisense RNA 1; plus strand). Cytogenetic location: 2q31.2.
Variant type: single nucleotide variant.
Coding change: c.83629C>T on transcript NM_001267550.2 (MANE Select); coding-DNA position 83629, C replaced by T.
Protein change: p.Arg27877Cys; replaces arginine 27877 with cysteine.
Molecular consequence: missense variant.
Genome position (GRCh38, 1-based): chr2:178,562,503, G>A on the plus strand (C>T on the coding strand, the complement: TTN is on the minus strand). VCF-style: chr2-178562503-G-A. GRCh37 (hg19) VCF-style: chr2-179427230-G-A.
Other names: c.78706C>T, p.Arg26236Cys (NM_001256850.1); c.56434C>T, p.Arg18812Cys (NM_003319.4); c.75925C>T, p.Arg25309Cys (NM_133378.4); c.56809C>T, p.Arg18937Cys (NM_133432.3); c.57010C>T, p.Arg19004Cys (NM_133437.4); short protein forms R27877C, R26236C, R18812C, R25309C, R19004C, R18937C.
Identifiers: ClinVar variation 404838 (VCV000404838.9), dbSNP rs527624888, ClinGen allele CA1988894.

ClinVar aggregate classification (germline): Conflicting classifications of pathogenicity. Review status: criteria provided, conflicting classifications (1 of 4 stars). 4 submissions from 4 submitters: Uncertain significance (3); Likely benign (1). Last evaluated 2025-10-16.

Conditions:
TTN-related myopathy. Identifiers: MedGen CN294812, MONDO:0100175.
TTN-related disorder. Also called: TTN-related disorders; TTN-related condition; TTN-related disease.
Autosomal recessive limb-girdle muscular dystrophy type 2J (LGMDR10). Also called: Limb-girdle muscular dystrophy, type 2J; MUSCULAR DYSTROPHY, LIMB-GIRDLE, AUTOSOMAL RECESSIVE 10. Identifiers: Orphanet 140922, MedGen C1837342, MONDO:0012127, OMIM 608807.
Dilated cardiomyopathy 1G (CMD1G). Identifiers: Orphanet 154, MedGen C1858763, MONDO:0011400, OMIM 604145.

Allele frequency attached by ClinVar (database versions not stated): gnomAD 0.00001 and 0.00003; TOPMed 0.00001; gnomAD exomes 0.00004; ExAC 0.00005; 1000 Genomes Project 30x 0.00031; 1000 Genomes Project 0.00040.
gnomAD v4.1: 31 of 1,612,468 alleles (0.0019%); highest among the groups gnomAD compares: Middle Eastern, 0.033%; no homozygotes.

Submissions (4):

PreventionGenetics, part of Exact Sciences
Classification: Uncertain significance for TTN-related condition. Last evaluated: 2025-10-16. Review status: criteria provided, single submitter. Criteria: ACMG Guidelines, 2015. Collection method: clinical testing. Allele origin: germline.
Comment: The TTN c.83629C>T variant is predicted to result in the amino acid substitution p.Arg27877Cys. To our knowledge, this variant has not been reported in the literature. This variant is reported in 0.017% of alleles in individuals of South Asian descent in gnomAD. At this time, the clinical significance of this variant is uncertain due to the absence of conclusive functional and genetic evidence.

Illumina Laboratory Services, Illumina
Classification: Uncertain significance for TTN-related myopathy. Last evaluated: 2021-02-11. Review status: criteria provided, single submitter. Criteria: ICSLVariantClassificationCriteria RUGD 01 April 2020. Collection method: clinical testing. Allele origin: unknown.
Comment: The TTN c.83629C>T (p.Arg27877Cys) variant is a missense variant. A literature search was performed for the gene, cDNA change, and amino acid change. No publications were found based on this search. The p.Arg27822Cys variant is reported at a frequency of 0.000166 in the South Asian population of the Genome Aggregation Database. The p.Arg27877Cys variant is a missense variant in a gene for which primarily truncating variants are known to cause disease. In silico predictions of pathogenicity are mixed. This variant occurs in an immunoglobulin domain within the A-band of the protein. Based on the limited evidence, the p.Arg27877Cys variant is classified as a variant of uncertain significance for TTN-related myopathy.

GeneDx
Classification: Likely benign. Last evaluated: 2019-03-15. Review status: criteria provided, single submitter. Criteria: GeneDx Variant Classification Process June 2021. Collection method: clinical testing. Allele origin: germline. Affected: yes.

Labcorp Genetics (formerly Invitae), Labcorp
Classification: Uncertain significance for Dilated cardiomyopathy 1G; Autosomal recessive limb-girdle muscular dystrophy type 2J. Last evaluated: 2016-07-31. Review status: criteria provided, single submitter. Criteria: Invitae Variant Classification Sherloc (09022015). Collection method: clinical testing. Allele origin: germline.